The following is an entry in ClinVar:

ClinVar aggregate classification (germline): Pathogenic. Review status: criteria provided, multiple submitters, no conflicts (2 of 4 stars). 2 submissions from 2 submitters: Pathogenic (2). Last evaluated 2024-08-07.

Conditions:
Carnitine acylcarnitine translocase deficiency (CACTD). Identifiers: Orphanet 159, MedGen C0342791, MONDO:0008918, OMIM 212138.

Allele frequency attached by ClinVar (database versions not stated): TOPMed below 0.00001; ExAC 0.00001; gnomAD 0.00001.
gnomAD v4.1: 8 of 1,613,504 alleles (0.0005%); highest among the groups gnomAD compares: Admixed American, 0.0017%; no homozygotes.

Submissions (2):

3billion
Classification: Pathogenic for Carnitine acylcarnitine translocase deficiency. Last evaluated: 2024-08-07. Review status: criteria provided, single submitter. Criteria: ACMG Guidelines, 2015. Collection method: clinical testing. Allele origin: germline. Affected: yes.
Comment: The variant is observed at an extremely low frequency in the gnomAD v4.0.0 dataset (total allele frequency: <0.001%). Predicted Consequence/Location: Stop-gained (nonsense): predicted to result in a loss or disruption of normal protein function through nonsense-mediated decay (NMD) or protein truncation. Multiple pathogenic variants are reported downstream of the variant. The variant has been reported at least twice as pathogenic with clinical assertions and evidence for the classification (ClinVar ID: VCV002678861 /PMID: 33634872). Therefore, this variant is classified as Pathogenic according to the recommendation of ACMG/AMP guideline.

Labcorp Genetics (formerly Invitae), Labcorp
Classification: Pathogenic for Carnitine acylcarnitine translocase deficiency. Last evaluated: 2024-03-09. Review status: criteria provided, single submitter. Criteria: Invitae Variant Classification Sherloc (09022015). Collection method: clinical testing. Allele origin: germline.
Comment: This sequence change creates a premature translational stop signal (p.Arg236*) in the SLC25A20 gene. It is expected to result in an absent or disrupted protein product. Loss-of-function variants in SLC25A20 are known to be pathogenic (PMID: 25614308). This variant is present in population databases (rs780959390, gnomAD 0.002%). This premature translational stop signal has been observed in individual(s) with carnitine acylcarnitine translocase deficiency (PMID: 33634872, 34626609). For these reasons, this variant has been classified as Pathogenic.

Literature cited by the submitters: PubMed 33634872 (cited by 3billion and Labcorp Genetics (formerly Invitae), Labcorp); PubMed 25614308 (cited by Labcorp Genetics (formerly Invitae), Labcorp); PubMed 34626609 (cited by Labcorp Genetics (formerly Invitae), Labcorp).

NM_000387.6(SLC25A20):c.706C>T (p.Arg236Ter)

Gene: SLC25A20 (solute carrier family 25 member 20; minus strand). Cytogenetic location: 3p21.31.
Variant type: single nucleotide variant.
Coding change: c.706C>T on transcript NM_000387.6 (MANE Select); coding-DNA position 706, C replaced by T.
Protein change: p.Arg236Ter; replaces arginine 236 with a stop codon.
Molecular consequence: nonsense.
Genome position (GRCh38, 1-based): chr3:48,859,104, G>A on the plus strand (C>T on the coding strand, the complement: SLC25A20 is on the minus strand). VCF-style: chr3-48859104-G-A. GRCh37 (hg19) VCF-style: chr3-48896537-G-A.
Other names: short protein forms R236*.
Identifiers: ClinVar variation 2678861 (VCV002678861.6), dbSNP rs780959390, ClinGen allele CA2387316.